The following is an entry in ClinVar:

ClinVar aggregate classification (germline): Uncertain significance. Review status: criteria provided, multiple submitters, no conflicts (2 of 4 stars). 2 submissions from 2 submitters: Uncertain significance (2). Last evaluated 2025-07-02.

gnomAD v4.1: 7 of 1,605,634 alleles (0.00044%); highest among the groups gnomAD compares: Admixed American, 0.0067%; no homozygotes.

Submissions (2):

Ambry Genetics
Classification: Uncertain significance. Last evaluated: 2025-07-02. Review status: criteria provided, single submitter. Criteria: Ambry Variant Classification Scheme 2023. Collection method: clinical testing. Allele origin: germline.

GeneDx
Classification: Uncertain significance. Last evaluated: 2025-04-25. Review status: criteria provided, single submitter. Criteria: GeneDx Variant Classification Process June 2021. Collection method: clinical testing. Allele origin: germline. Affected: yes.
Comment: Not observed at significant frequency in large population cohorts (gnomAD); In silico analysis supports that this missense variant has a deleterious effect on protein structure/function; Has not been previously published as pathogenic or benign to our knowledge

NM_001916.5(CYC1):c.299G>A (p.Gly100Asp)

Gene: CYC1 (cytochrome c1; plus strand). Cytogenetic location: 8q24.3.
Variant type: single nucleotide variant.
Coding change: c.299G>A on transcript NM_001916.5 (MANE Select); coding-DNA position 299, G replaced by A.
Protein change: p.Gly100Asp; replaces glycine 100 with aspartic acid.
Molecular consequence: missense variant.
Genome position (GRCh38, 1-based): chr8:144,096,002, G>A. VCF-style: chr8-144096002-G-A. GRCh37 (hg19) VCF-style: chr8-145150905-G-A.
Other names: c.299G>A (NM_001916.4); short protein forms G100D.
Identifiers: ClinVar variation 4236610 (VCV004236610.2).